The following is an entry in ClinVar:

ClinVar aggregate classification (germline): Uncertain significance. Review status: criteria provided, multiple submitters, no conflicts (2 of 4 stars). 3 submissions from 3 submitters: Uncertain significance (3). Last evaluated 2025-09-19.

Conditions:
Niemann-Pick disease, type C1. Also called: NEUROVISCERAL STORAGE DISEASE WITH VERTICAL SUPRANUCLEAR OPHTHALMOPLEGIA; NIEMANN-PICK DISEASE WITH CHOLESTEROL ESTERIFICATION BLOCK; NIEMANN-PICK DISEASE WITHOUT SPHINGOMYELINASE DEFICIENCY; NIEMANN-PICK DISEASE, CHRONIC NEURONOPATHIC FORM; NIEMANN-PICK DISEASE, VARIANT TYPE C1. Identifiers: Orphanet 646, MedGen C3179455, MONDO:0009757, OMIM 257220.

Allele frequency attached by ClinVar (database versions not stated): gnomAD exomes 0.00001 and 0.00002; ExAC 0.00002; TOPMed 0.00008; gnomAD 0.00010 and 0.00011; 1000 Genomes Project 30x 0.00016; 1000 Genomes Project 0.00020.

Submissions (3):

Mayo Clinic Laboratories, Mayo Clinic
Classification: Uncertain significance. Last evaluated: 2025-09-19. Review status: criteria provided, single submitter. Criteria: ACMG Guidelines, 2015. Collection method: clinical testing. Allele origin: germline. Observed: 1 variant allele.
Comment: BP4

Labcorp Genetics (formerly Invitae), Labcorp
Classification: Uncertain significance for Niemann-Pick disease, type C1. Last evaluated: 2022-09-27. Review status: criteria provided, single submitter. Criteria: Invitae Variant Classification Sherloc (09022015). Collection method: clinical testing. Allele origin: germline.
Comment: This sequence change replaces valine, which is neutral and non-polar, with glycine, which is neutral and non-polar, at codon 133 of the NPC1 protein (p.Val133Gly). This variant is present in population databases (rs375039992, gnomAD 0.03%). This variant has not been reported in the literature in individuals affected with NPC1-related conditions. ClinVar contains an entry for this variant (Variation ID: 501360). Advanced modeling of protein sequence and biophysical properties (such as structural, functional, and spatial information, amino acid conservation, physicochemical variation, residue mobility, and thermodynamic stability) performed at Invitae indicates that this missense variant is not expected to disrupt NPC1 protein function. Algorithms developed to predict the effect of sequence changes on RNA splicing suggest that this variant may create or strengthen a splice site. In summary, the available evidence is currently insufficient to determine the role of this variant in disease. Therefore, it has been classified as a Variant of Uncertain Significance.

Eurofins Ntd Llc (ga)
Classification: Uncertain significance. Last evaluated: 2018-09-04. Review status: criteria provided, single submitter. Criteria: EGL ClinVar v180209 classification definitions. Collection method: clinical testing. Allele origin: germline. Observed: 3 variant alleles, 3 heterozygotes.

NM_000271.5(NPC1):c.398T>G (p.Val133Gly)

Gene: NPC1 (NPC intracellular cholesterol transporter 1; minus strand). Cytogenetic location: 18q11.2.
Variant type: single nucleotide variant.
Coding change: c.398T>G on transcript NM_000271.5 (MANE Select); coding-DNA position 398, T replaced by G.
Protein change: p.Val133Gly; replaces valine 133 with glycine.
Molecular consequence: missense variant.
Genome position (GRCh38, 1-based): chr18:23,568,888, A>C on the plus strand (T>G on the coding strand, the complement: NPC1 is on the minus strand). VCF-style: chr18-23568888-A-C. GRCh37 (hg19) VCF-style: chr18-21148852-A-C.
Other names: p.Val133Gly; short protein forms V133G.
Identifiers: ClinVar variation 501360 (VCV000501360.8), dbSNP rs375039992, ClinGen allele CA8913750.